The following is an entry in ClinVar:

ClinVar aggregate classification (germline): Uncertain significance. Review status: criteria provided, multiple submitters, no conflicts (2 of 4 stars). 3 submissions from 3 submitters: Uncertain significance (3). Last evaluated 2025-12-01.

Conditions:
Spastic paraplegia. Identifiers: MedGen C0037772, HP:0001258.

Allele frequency attached by ClinVar (database versions not stated): gnomAD 0.00001; gnomAD exomes 0.00001; TOPMed 0.00001.
gnomAD v4.1: 23 of 1,613,976 alleles (0.0014%); highest among the groups gnomAD compares: Non-Finnish European, 0.0019%; no homozygotes.

Submissions (3):

CeGaT Center for Human Genetics Tuebingen
Classification: Uncertain significance. Last evaluated: 2025-12-01. Review status: criteria provided, single submitter. Criteria: CeGaT Center For Human Genetics Tuebingen Variant Classification Criteria Version 2. Collection method: clinical testing. Allele origin: germline. Affected: yes. Observed: 1 variant allele.
Comment: ZFYVE26: PM2, BP4

Labcorp Genetics (formerly Invitae), Labcorp
Classification: Uncertain significance for Spastic paraplegia. Last evaluated: 2022-08-13. Review status: criteria provided, single submitter. Criteria: Invitae Variant Classification Sherloc (09022015). Collection method: clinical testing. Allele origin: germline.
Comment: This sequence change replaces histidine, which is basic and polar, with tyrosine, which is neutral and polar, at codon 740 of the ZFYVE26 protein (p.His740Tyr). This variant is present in population databases (no rsID available, gnomAD 0.002%). This variant has not been reported in the literature in individuals affected with ZFYVE26-related conditions. Algorithms developed to predict the effect of missense changes on protein structure and function output the following: SIFT: "Tolerated"; PolyPhen-2: "Benign"; Align-GVGD: "Class C0". The tyrosine amino acid residue is found in multiple mammalian species, which suggests that this missense change does not adversely affect protein function. In summary, the available evidence is currently insufficient to determine the role of this variant in disease. Therefore, it has been classified as a Variant of Uncertain Significance.

Athena Diagnostics
Classification: Uncertain significance. Last evaluated: 2021-11-23. Review status: criteria provided, single submitter. Criteria: Athena Diagnostics Criteria. Collection method: clinical testing. Allele origin: unknown.

NM_015346.4(ZFYVE26):c.2218C>T (p.His740Tyr)

Gene: ZFYVE26 (zinc finger FYVE-type containing 26; minus strand). Cytogenetic location: 14q24.1.
Variant type: single nucleotide variant.
Coding change: c.2218C>T on transcript NM_015346.4 (MANE Select); coding-DNA position 2218, C replaced by T.
Protein change: p.His740Tyr; replaces histidine 740 with tyrosine.
Molecular consequence: missense variant.
Genome position (GRCh38, 1-based): chr14:67,798,044, G>A on the plus strand (C>T on the coding strand, the complement: ZFYVE26 is on the minus strand). VCF-style: chr14-67798044-G-A. GRCh37 (hg19) VCF-style: chr14-68264761-G-A.
Other names: short protein forms H740Y.
Identifiers: ClinVar variation 1807036 (VCV001807036.8), dbSNP rs1480317433, ClinGen allele CA390174918.